The following is an entry in ClinVar:

ClinVar aggregate classification (germline): Uncertain significance. Review status: criteria provided, multiple submitters, no conflicts (2 of 4 stars). 5 submissions from 5 submitters: Uncertain significance (5). Last evaluated 2025-12-09.

Conditions:
COL6A3-related disorder. Also called: COL6A3-related condition; COL6A3-related disorders.
Bethlem myopathy 1A. Also called: MYOPATHY, BENIGN CONGENITAL, WITH CONTRACTURES; Bethlem myopathy 1; Bethlem Muscular Dystrophy. Identifiers: Orphanet 610, MedGen CN029274, MONDO:0024530, OMIM 158810.

Allele frequency attached by ClinVar (database versions not stated): gnomAD exomes 0.00001; gnomAD 0.00007; TOPMed 0.00017.
gnomAD v4.1: 30 of 1,613,904 alleles (0.0019%); highest among the groups gnomAD compares: Admixed American, 0.025%; no homozygotes.

Submissions (5):

Labcorp Genetics (formerly Invitae), Labcorp
Classification: Uncertain significance for Bethlem myopathy 1A. Last evaluated: 2025-12-09. Review status: criteria provided, single submitter. Criteria: Invitae Variant Classification Sherloc (09022015). Collection method: clinical testing. Allele origin: germline.
Comment: This sequence change replaces threonine, which is neutral and polar, with isoleucine, which is neutral and non-polar, at codon 236 of the COL6A3 protein (p.Thr236Ile). This variant is not present in population databases (gnomAD no frequency). This missense change has been observed in individual(s) with clinical features of COL6A3 related conditions (PMID: 30564623). ClinVar contains an entry for this variant (Variation ID: 289793). An algorithm developed to predict the effect of missense changes on protein structure and function (PolyPhen-2) suggests that this variant is likely to be disruptive. Algorithms developed to predict the effect of sequence changes on RNA splicing suggest that this variant may disrupt the consensus splice site. In summary, the available evidence is currently insufficient to determine the role of this variant in disease. Therefore, it has been classified as a Variant of Uncertain Significance.

PreventionGenetics, part of Exact Sciences
Classification: Uncertain significance for COL6A3-related condition. Last evaluated: 2025-09-09. Review status: criteria provided, single submitter. Criteria: ACMG Guidelines, 2015. Collection method: clinical testing. Allele origin: germline.
Comment: The COL6A3 c.707C>T variant is predicted to result in the amino acid substitution p.Thr236Ile. This variant has been reported in a patient with Limb-girdle muscular dystrophy (Table S7, Nallamilli et al 2018. PubMed ID: 30564623). However, no additional information that would help determine this variant’s pathogenicity, such as segregation studies, was provided. This variant has not been reported in a large population database (gnomAD), indicating it is rare. At this time, the clinical significance of this variant is uncertain due to the absence of conclusive functional and genetic evidence.

Blueprint Genetics
Classification: Uncertain significance. Last evaluated: 2021-08-20. Review status: criteria provided, single submitter. Criteria: ACMG Guidelines, 2015. Collection method: clinical testing. Allele origin: germline.

GeneDx
Classification: Uncertain significance. Last evaluated: 2018-05-23. Review status: criteria provided, single submitter. Criteria: GeneDx Variant Classification (06012015). Collection method: clinical testing. Allele origin: germline. Affected: yes.
Comment: The c.707 C>T variant has not been published as a pathogenic variant, nor has it been reported as a benign variant to our knowledge. This variant is not observed in large population cohorts (Lek et al., 2016). Multiple in-silico splice prediction models predict that c.707 C>T may damage or destroy the natural splice donor site and lead to abnormal gene splicing. However, in the absence of RNA/functional studies the actual effect of c.707 C>T on splicing in this individual is unknown. If c.707 C>T does not alter splicing, it will result in the T236I missense change. The T236I variant is a non-conservative amino acid substitution, which is likely to impact secondary protein structure as these residues differ in polarity, charge, size and/or other properties. However, in-silico analyses, including protein predictors and evolutionary conservation, support that this variant does not alter protein structure/function

Eurofins Ntd Llc (ga)
Classification: Uncertain significance. Last evaluated: 2017-02-24. Review status: criteria provided, single submitter. Criteria: EGL Classification Definitions 2015. Collection method: clinical testing. Allele origin: germline. Observed: 3 variant alleles, 3 heterozygotes.

Literature cited by the submitters: PubMed 30564623 (cited by Labcorp Genetics (formerly Invitae), Labcorp).

NM_004369.4(COL6A3):c.707C>T (p.Thr236Ile)

Gene: COL6A3 (collagen type VI alpha 3 chain; minus strand). Cytogenetic location: 2q37.3.
Variant type: single nucleotide variant.
Coding change: c.707C>T on transcript NM_004369.4 (MANE Select); coding-DNA position 707, C replaced by T.
Protein change: p.Thr236Ile; replaces threonine 236 with isoleucine.
Molecular consequence: missense variant. On other transcripts: intron variant (4).
Genome position (GRCh38, 1-based): chr2:237,394,589, G>A on the plus strand (C>T on the coding strand, the complement: COL6A3 is on the minus strand). VCF-style: chr2-237394589-G-A. GRCh37 (hg19) VCF-style: chr2-238303232-G-A.
Other names: c.91+2138C>T (NM_057166.5, NM_057167.4, NM_057164.5 and 1 more transcripts); short protein forms T236I.
Identifiers: ClinVar variation 289793 (VCV000289793.15), dbSNP rs886044270, ClinGen allele CA10606555.
Genomic context (GRCh38, chr2:237,394,589, plus strand): 5'-CCAAGCTCATCTCCCAAGAACAGCAGGGCAGGGCGTAGCTTGGTGGCGTTGCCATTACCT[G>A]TGATGTCTTTAAGGGTTTCCGTGTCCCCAGCCCTTTCTGGACTCACGGATGAATGCACAC-3'
Protein context (NP_004360.2, residues 226-246): AGDTETLKDI[Thr236Ile]AQDSADIIFL